The following is an entry in ClinVar:

ClinVar aggregate classification (germline): Pathogenic (1 of 4 stars; one submission).

Conditions:
Leber congenital amaurosis 8 (LCA8). Identifiers: Orphanet 65, MedGen C3151202, MONDO:0013453, OMIM 613835.
Retinitis pigmentosa 12 (RP12). Also called: RP WITH OR WITHOUT PRESERVED PARAARTERIOLE RETINAL PIGMENT EPITHELIUM; RETINITIS PIGMENTOSA WITH OR WITHOUT PARAARTERIOLAR PRESERVATION OF RETINAL PIGMENT EPITHELIUM; RP WITH OR WITHOUT PPRPE. Identifiers: Orphanet 791, MedGen C1838647, MONDO:0010818, OMIM 600105.

Submission:

Labcorp Genetics (formerly Invitae), Labcorp
Classification: Pathogenic for Leber congenital amaurosis 8; Retinitis pigmentosa 12. Last evaluated: 2024-12-18. Review status: criteria provided, single submitter. Criteria: Invitae Variant Classification Sherloc (09022015). Collection method: clinical testing. Allele origin: germline.
Comment: This sequence change creates a premature translational stop signal (p.Asn550Ilefs*23) in the CRB1 gene. It is expected to result in an absent or disrupted protein product. Loss-of-function variants in CRB1 are known to be pathogenic (PMID: 10508521, 22065545, 23379534, 25412400, 26957898, 28041643, 29391521). This variant is not present in population databases (gnomAD no frequency). This variant has not been reported in the literature in individuals affected with CRB1-related conditions. For these reasons, this variant has been classified as Pathogenic.

Literature cited by the submitters: PubMed 10508521; PubMed 22065545; PubMed 23379534; PubMed 25412400; PubMed 26957898; PubMed 28041643; PubMed 29391521.

NM_201253.3(CRB1):c.1649del (p.Asn550fs)

Gene: CRB1 (crumbs cell polarity complex component 1; plus strand). Cytogenetic location: 1q31.3.
Variant type: Deletion.
Coding change: c.1649del on transcript NM_201253.3 (MANE Select); coding-DNA position 1649, one base deleted (A; older notation c.1649delA).
Protein change: p.Asn550fs; shifts the reading frame from asparagine 550.
Molecular consequence: frameshift variant. On other transcripts: non-coding transcript variant (2).
Genome position (GRCh38, 1-based): chr1:197,421,477, A deleted; the last of 2 consecutive A bases (chr1:197,421,476-197,421,477); deleting either gives the same sequence. VCF-style (leftmost placement, unchanged base first): chr1-197421475-TA-T. GRCh37 (hg19) VCF-style: chr1-197390605-TA-T.
Other names: c.1313del, p.Asn438fs (NM_001193640.2); c.1442del, p.Asn481fs (NM_001257965.2); c.1649del, p.Asn550fs (NM_001257966.2); short protein forms N438fs, N481fs, N550fs.
Identifiers: ClinVar variation 3751574 (VCV003751574.2).